The following is an entry in ClinVar:

ClinVar aggregate classification (germline): Uncertain significance (1 of 4 stars; one submission).

Conditions:
Lethal multiple pterygium syndrome (LMPS). Identifiers: Orphanet 33108, MedGen C1854678, MONDO:0009668, OMIM 253290.

Allele frequency attached by ClinVar (database versions not stated): gnomAD exomes below 0.00001; ESP Exome Variant Server 0.00008.

Submission:

Labcorp Genetics (formerly Invitae), Labcorp
Classification: Uncertain significance for Lethal multiple pterygium syndrome. Last evaluated: 2023-10-15. Review status: criteria provided, single submitter. Criteria: Invitae Variant Classification Sherloc (09022015). Collection method: clinical testing. Allele origin: germline.
Comment: This sequence change falls in intron 7 of the CHRNA1 gene. It does not directly change the encoded amino acid sequence of the CHRNA1 protein. It affects a nucleotide within the consensus splice site. This variant is not present in population databases (gnomAD no frequency). This variant has not been reported in the literature in individuals affected with CHRNA1-related conditions. Variants that disrupt the consensus splice site are a relatively common cause of aberrant splicing (PMID: 17576681, 9536098). Algorithms developed to predict the effect of sequence changes on RNA splicing suggest that this variant may disrupt the consensus splice site. In summary, the available evidence is currently insufficient to determine the role of this variant in disease. Therefore, it has been classified as a Variant of Uncertain Significance.

Literature cited by the submitters: PubMed 17576681; PubMed 9536098.

NM_000079.4(CHRNA1):c.1002+5del

Gene: CHRNA1 (cholinergic receptor nicotinic alpha 1 subunit; minus strand). Cytogenetic location: 2q31.1.
Variant type: Deletion.
Coding change: c.1002+5del on transcript NM_000079.4 (MANE Select); 5 bases into the intron after coding-DNA position 1002, one base deleted (G; older notation c.1002+5delG).
Molecular consequence: intron variant.
Genome position (GRCh38, 1-based): chr2:174,749,941, C deleted on the plus strand (G on the coding strand, the reverse complement: CHRNA1 is on the minus strand). VCF-style (leftmost placement, unchanged base first): chr2-174749940-AC-A. GRCh37 (hg19) VCF-style: chr2-175614668-AC-A.
Other names: c.1077+5del (NM_001039523.3).
Identifiers: ClinVar variation 2704923 (VCV002704923.3), dbSNP rs1553469042, ClinGen allele CA430021904.
Genomic context (GRCh38, chr2:174,749,940, plus strand): 5'-GGCTCCTCGAAGGGGAGGCCTGTAGATGTGCCTCCGTGTGAAGTCTGCAGGGGCCTCCCC[AC>A]TCACCTTCCGCACCCAGTTGGGCATGACATGGGTGCTGGGTGAGCGGTGGTGTGTGTTGA-3'